The following is an entry in ClinVar:

ClinVar aggregate classification (germline): Likely benign. Review status: criteria provided, multiple submitters, no conflicts (2 of 4 stars). 3 submissions from 3 submitters: Likely benign (3). Last evaluated 2025-12-24.

Conditions:
Weaver syndrome (WVS). Also called: Weaver Smith syndrome; Overgrowth syndrome with accelerated skeletal maturation, unusual facies, and camptodactyly. Identifiers: Orphanet 3447, MedGen C0265210, MONDO:0010193, OMIM 277590.

Allele frequency attached by ClinVar (database versions not stated): TOPMed 0.00003; gnomAD 0.00005 and 0.00006; ExAC 0.00010.
gnomAD v4.1: 94 of 1,589,000 alleles (0.0059%); highest among the groups gnomAD compares: Middle Eastern, 0.017%; no homozygotes.

Submissions (3):

Labcorp Genetics (formerly Invitae), Labcorp
Classification: Likely benign for Weaver syndrome. Last evaluated: 2025-12-24. Review status: criteria provided, single submitter. Criteria: Invitae Variant Classification Sherloc (09022015). Collection method: clinical testing. Allele origin: germline.

Blueprint Genetics
Classification: Likely benign. Last evaluated: 2024-09-25. Review status: criteria provided, single submitter. Criteria: ACMG Guidelines, 2015. Collection method: clinical testing. Allele origin: germline.

GeneDx
Classification: Likely benign. Last evaluated: 2017-01-15. Review status: criteria provided, single submitter. Criteria: GeneDx Variant Classification (06012015). Collection method: clinical testing. Allele origin: germline. Affected: yes.
Comment: This variant is considered likely benign or benign based on one or more of the following criteria: it is a conservative change, it occurs at a poorly conserved position in the protein, it is predicted to be benign by multiple in silico algorithms, and/or has population frequency not consistent with disease.

NM_004456.5(EZH2):c.2029+17G>A

Gene: EZH2 (enhancer of zeste 2 polycomb repressive complex 2 subunit; minus strand). Cytogenetic location: 7q36.1.
Variant type: single nucleotide variant.
Coding change: c.2029+17G>A on transcript NM_004456.5 (MANE Select); 17 bases into the intron after coding-DNA position 2029, G replaced by A.
Molecular consequence: intron variant.
Genome position (GRCh38, 1-based): chr7:148,810,316, C>T on the plus strand (G>A on the coding strand, the complement: EZH2 is on the minus strand). VCF-style: chr7-148810316-C-T. GRCh37 (hg19) VCF-style: chr7-148507408-C-T.
Other names: c.1987+17G>A (NM_001203248.2); c.1897+17G>A (NM_152998.3); c.2014+17G>A (NM_001203247.2); c.1861+17G>A (NM_001203249.2).
Identifiers: ClinVar variation 391163 (VCV000391163.10), dbSNP rs769129417, ClinGen allele CA4547733.
Genomic context (GRCh38, chr7:148,810,316, plus strand): 5'-CGTTTCTGAACACTCGGCCGGCAGAAGGCTGCCACATGCAACTCAGGAACTCACTGCCTC[C>T]CAGCTCTGAAACATACCATTGTTCAAGTTGAACAGAAAGCTGCACATGTATTTATCATAC-3'